The following is an entry in ClinVar:

NM_201384.3(PLEC):c.5990AGG[2] (p.Glu1999del)

Gene: PLEC (plectin; minus strand). Cytogenetic location: 8q24.3.
Variant type: Microsatellite.
Coding change: c.5990AGG[2] on transcript NM_201384.3 (MANE Select); two copies in a row of the 3-base unit AGG starting at c.5990; the reference has three copies in a row; one copy, 3 bases deleted.
Protein change: p.Glu1999del; deletes glutamic acid 1999.
Molecular consequence: inframe deletion.
Genome position (GRCh38, 1-based): chr8:143,923,931-143,923,933, CCT deleted on the plus strand (AGG on the coding strand, the reverse complement: PLEC is on the minus strand); deleting any 3 consecutive bases within chr8:143,923,931-143,923,940 gives the same sequence; the position shown is the placement nearest the transcript's 3' end. VCF-style (leftmost placement, unchanged base first): chr8-143923930-GCCT-G. GRCh37 (hg19) VCF-style: chr8-144998098-GCCT-G.
Other names: c.6077_6079del (NM_000445.5); c.6071AGG[2], p.Glu2026del (NM_000445.5); c.5948AGG[2], p.Glu1985del (NM_201378.4); c.5924AGG[2], p.Glu1977del (NM_201379.3); c.6401AGG[2], p.Glu2136del (NM_201380.4); c.5894AGG[2], p.Glu1967del (NM_201381.3); c.5990AGG[2], p.Glu1999del (NM_201382.4); c.6002AGG[2], p.Glu2003del (NM_201383.3); short protein forms E2026del, E1967del, E1985del, E1977del, E2136del, E1999del, E2003del.
Identifiers: ClinVar variation 640727 (VCV000640727.8), dbSNP rs548427460, ClinGen allele CA4926152.

ClinVar aggregate classification (germline): Uncertain significance. Review status: criteria provided, multiple submitters, no conflicts (2 of 4 stars). 2 submissions from 2 submitters: Uncertain significance (2). Last evaluated 2025-09-30.

Conditions:
Epidermolysis bullosa simplex, Ogna type (EBS5A). Also called: Pidermolysis bullosa simplex 5A, Ogna type; EPIDERMOLYSIS BULLOSA SIMPLEX 5A, OGNA TYPE. Identifiers: Orphanet 79401, MedGen C0432317, MONDO:0007555, OMIM 131950.
Autosomal recessive limb-girdle muscular dystrophy type 2Q (LGMDR17). Also called: MUSCULAR DYSTROPHY, LIMB-GIRDLE, AUTOSOMAL RECESSIVE 17. Identifiers: Orphanet 254361, MedGen C3150989, MONDO:0013390, OMIM 613723.
Epidermolysis bullosa simplex with nail dystrophy (EBS5D). Identifiers: MedGen C4225309, MONDO:0014661, OMIM 616487.
Epidermolysis bullosa simplex 5B, with muscular dystrophy (EBS5B). Also called: Epidermolysis bullosa simplex with muscular dystrophy; EPIDERMOLYSIS BULLOSA SIMPLEX AND LIMB-GIRDLE MUSCULAR DYSTROPHY. Identifiers: Orphanet 257, MedGen C2931072, MONDO:0009181, OMIM 226670.
Epidermolysis bullosa simplex 5C, with pyloric atresia (EBS5C). Also called: PLEC-Related Epidermolysis Bullosa with Pyloric Atresia; Epidermolysis bullosa simplex with pyloric atresia; PLEC1-Related Epidermolysis Bullosa with Pyloric Atresia. Identifiers: Orphanet 158684, MedGen C2677349, MONDO:0012807, OMIM 612138.

Submissions (2):

Labcorp Genetics (formerly Invitae), Labcorp
Classification: Uncertain significance for Autosomal recessive limb-girdle muscular dystrophy type 2Q; Epidermolysis bullosa simplex, Ogna type; Epidermolysis bullosa simplex with nail dystrophy; Epidermolysis bullosa simplex 5C, with pyloric atresia; Epidermolysis bullosa simplex 5B, with muscular dystrophy. Last evaluated: 2025-09-30. Review status: criteria provided, single submitter. Criteria: Invitae Variant Classification Sherloc (09022015). Collection method: clinical testing. Allele origin: germline.
Comment: This variant, c.6077_6079del, results in the deletion of 1 amino acid(s) of the PLEC protein (p.Glu2026del), but otherwise preserves the integrity of the reading frame. This variant is present in population databases (rs548427460, gnomAD 0.004%). This variant has not been reported in the literature in individuals affected with PLEC-related conditions. Experimental studies and prediction algorithms are not available or were not evaluated, and the functional significance of this variant is currently unknown. In summary, the available evidence is currently insufficient to determine the role of this variant in disease. Therefore, it has been classified as a Variant of Uncertain Significance.

Revvity Omics, Revvity
Classification: Uncertain significance. Last evaluated: 2020-02-10. Review status: criteria provided, single submitter. Criteria: ACMG Guidelines, 2015. Collection method: clinical testing. Allele origin: germline.